The following is an entry in ClinVar:

ClinVar aggregate classification (germline): Uncertain significance (1 of 4 stars; one submission).

Submission:

GeneDx
Classification: Uncertain significance. Last evaluated: 2025-07-13. Review status: criteria provided, single submitter. Criteria: GeneDx Variant Classification Process June 2021. Collection method: clinical testing. Allele origin: germline. Affected: yes.
Comment: Not observed at significant frequency in large population cohorts (gnomAD); In silico analysis supports that this missense variant has a deleterious effect on protein structure/function; Has not been previously published as pathogenic or benign to our knowledge

NM_006593.4(TBR1):c.1073C>T (p.Thr358Met)

Gene: TBR1 (T-box brain transcription factor 1; plus strand). Cytogenetic location: 2q24.2.
Variant type: single nucleotide variant.
Coding change: c.1073C>T on transcript NM_006593.4 (MANE Select); coding-DNA position 1073, C replaced by T.
Protein change: p.Thr358Met; replaces threonine 358 with methionine.
Molecular consequence: missense variant.
Genome position (GRCh38, 1-based): chr2:161,418,995, C>T. VCF-style: chr2-161418995-C-T. GRCh37 (hg19) VCF-style: chr2-162275506-C-T.
Other names: short protein forms T358M.
Identifiers: ClinVar variation 4686355 (VCV004686355.1).